The following is an entry in ClinVar:

NM_001197104.2(KMT2A):c.3178_3184delinsCTAGGCTGCAGTGAGCTGTGACTGTGCCACTGTATTGCAGCCTAGGCAACAAAGCAATC (p.Glu1060_Ser1062delinsLeuGlyCysSerGluLeuTer)

Gene: KMT2A (lysine methyltransferase 2A; plus strand). Cytogenetic location: 11q23.3.
Variant type: Indel.
Coding change: c.3178_3184delinsCTAGGCTGCAGTGAGCTGTGACTGTGCCACTGTATTGCAGCCTAGGCAACAAAGCAATC on transcript NM_001197104.2 (MANE Select); coding-DNA positions 3178 to 3184, the reference bases replaced by an inserted sequence.
Protein change: p.Glu1060_Ser1062delinsLeuGlyCysSerGluLeuTer.
Molecular consequence: nonsense.
Genome position (GRCh38, 1-based): chr11:118,476,826-118,476,832, 7 bases replaced. GRCh37 (hg19): chr11:118,347,541-118,347,547.
Other names: c.3178_3184delinsCTAGGCTGCAGTGAGCTGTGACTGTGCCACTGTATTGCAGCCTAGGCAACAAAGCAATC, p.Glu1060_Ser1062delinsLeuGlyCysSerGluLeuTer (NM_005933.4).
Identifiers: ClinVar variation 817840 (VCV000817840.1), dbSNP rs1591379741, ClinGen allele CA915947814.

ClinVar aggregate classification (germline): Pathogenic (1 of 4 stars; one submission).

Submission:

GeneDx
Classification: Pathogenic. Last evaluated: 2018-09-26. Review status: criteria provided, single submitter. Criteria: GeneDx Variant Classification (06012015). Collection method: clinical testing. Allele origin: germline. Affected: yes.
Comment: The c.3178_3184delGAGACCTins59 variant in the KMT2A gene has not been reported previously as a pathogenic variant nor as a benign variant, to our knowledge. The 3178_3184delGAGACCTins59 variant causes a frameshift starting with codon Glutamate 1060, changes this amino acid to a Leucine residue, and creates a premature Stop codon at position 7 of the new reading frame, denoted p.Glu1060LeufsX7. This variant is predicted to cause loss of normal protein function either through protein truncation or nonsense-mediated mRNA decay. The c.3178_3184delGAGACCTins59 variant is not observed in large population cohorts (Lek et al., 2016). We interpret c.3178_3184delGAGACCTins59 as a pathogenic variant.